The following is an entry in ClinVar:

ClinVar aggregate classification (germline): Uncertain significance. Review status: criteria provided, multiple submitters, no conflicts (2 of 4 stars). 2 submissions from 2 submitters: Uncertain significance (2). Last evaluated 2025-02-28.

Conditions:
Early-infantile DEE. Also called: Early infantile epileptic encephalopathy; Ohtahara syndrome; Early infantile epileptic encephalopathy with suppression bursts. Identifiers: Orphanet 1934, MedGen C0393706, MONDO:0800491.

Submissions (2):

Labcorp Genetics (formerly Invitae), Labcorp
Classification: Uncertain significance for Early-infantile DEE. Last evaluated: 2025-02-28. Review status: criteria provided, single submitter. Criteria: Invitae Variant Classification Sherloc (09022015). Collection method: clinical testing. Allele origin: germline.
Comment: This sequence change replaces proline, which is neutral and non-polar, with arginine, which is basic and polar, at codon 840 of the ARHGEF15 protein (p.Pro840Arg). This variant is present in population databases (rs552154823, gnomAD 0.0009%). This variant has not been reported in the literature in individuals affected with ARHGEF15-related conditions. ClinVar contains an entry for this variant (Variation ID: 1395404). An algorithm developed to predict the effect of missense changes on protein structure and function (PolyPhen-2) suggests that this variant is likely to be tolerated. In summary, the available evidence is currently insufficient to determine the role of this variant in disease. Therefore, it has been classified as a Variant of Uncertain Significance.

Ambry Genetics
Classification: Uncertain significance. Last evaluated: 2021-09-17. Review status: criteria provided, single submitter. Criteria: Ambry Variant Classification Scheme 2023. Collection method: clinical testing. Allele origin: germline.

NM_173728.4(ARHGEF15):c.2519C>G (p.Pro840Arg)

Gene: ARHGEF15 (Rho guanine nucleotide exchange factor 15; plus strand). Cytogenetic location: 17p13.1.
Variant type: single nucleotide variant.
Coding change: c.2519C>G on transcript NM_173728.4 (MANE Select); coding-DNA position 2519, C replaced by G.
Protein change: p.Pro840Arg; replaces proline 840 with arginine.
Molecular consequence: missense variant.
Genome position (GRCh38, 1-based): chr17:8,320,986, C>G. VCF-style: chr17-8320986-C-G. GRCh37 (hg19) VCF-style: chr17-8224304-C-G.
Other names: c.2519C>G, p.Pro840Arg (NM_025014.2); c.2519C>G (NM_173728.3); short protein forms P840R.
Identifiers: ClinVar variation 1395404 (VCV001395404.10), dbSNP rs552154823, ClinGen allele CA8375556.